The following is an entry in ClinVar:

NM_000815.5(GABRD):c.1214G>C (p.Gly405Ala)

Gene: GABRD (gamma-aminobutyric acid type A receptor subunit delta; plus strand). Cytogenetic location: 1p36.33.
Variant type: single nucleotide variant.
Coding change: c.1214G>C on transcript NM_000815.5 (MANE Select); coding-DNA position 1214, G replaced by C.
Protein change: p.Gly405Ala; replaces glycine 405 with alanine.
Molecular consequence: missense variant.
Genome position (GRCh38, 1-based): chr1:2,030,137, G>C. VCF-style: chr1-2030137-G-C. GRCh37 (hg19) VCF-style: chr1-1961576-G-C.
Other names: short protein forms G405A.
Identifiers: ClinVar variation 585894 (VCV000585894.2), dbSNP rs766337060, ClinGen allele CA337960804.
Genomic context (GRCh38, chr1:2,030,137, plus strand): 5'-GGAACCTGATGGGCTCCTACAGGTCGGTGGGGGTGGAGACAGGGGAGACGAAGAAGGAGG[G>C]GGCAGCCCGCTCAGGAGGCCAGGGGGGCATCCGTGCCCGGCTCAGGCCCATCGACGCAGA-3'
Protein context (NP_000806.2, residues 395-415): GVETGETKKE[Gly405Ala]AARSGGQGGI

ClinVar aggregate classification (germline): Uncertain significance. Review status: criteria provided, multiple submitters, no conflicts (2 of 4 stars). 2 submissions from 2 submitters: Uncertain significance (2). Last evaluated 2025-12-03.

Conditions:
Idiopathic generalized epilepsy. Also called: EIG; Generalised epilepsy. Identifiers: MedGen C0270850, MONDO:0005579, OMIM 600669.

gnomAD v4.1: 2 of 1,579,588 alleles (0.00013%); highest among the groups gnomAD compares: Admixed American, 0.0018%; no homozygotes.

Submissions (2):

Labcorp Genetics (formerly Invitae), Labcorp
Classification: Uncertain significance for Idiopathic generalized epilepsy. Last evaluated: 2025-12-03. Review status: criteria provided, single submitter. Criteria: Invitae Variant Classification Sherloc (09022015). Collection method: clinical testing. Allele origin: germline.
Comment: This sequence change replaces glycine, which is neutral and non-polar, with alanine, which is neutral and non-polar, at codon 405 of the GABRD protein (p.Gly405Ala). This variant is not present in population databases (gnomAD no frequency). This variant has not been reported in the literature in individuals affected with GABRD-related conditions. ClinVar contains an entry for this variant (Variation ID: 585894). An algorithm developed to predict the effect of missense changes on protein structure and function (PolyPhen-2) suggests that this variant is likely to be tolerated. In summary, the available evidence is currently insufficient to determine the role of this variant in disease. Therefore, it has been classified as a Variant of Uncertain Significance.

Athena Diagnostics
Classification: Uncertain significance. Last evaluated: 2017-11-13. Review status: criteria provided, single submitter. Criteria: Athena Diagnostics Criteria. Collection method: clinical testing. Allele origin: germline.